The following is an entry in ClinVar:

ClinVar aggregate classification (germline): Uncertain significance. Review status: criteria provided, multiple submitters, no conflicts (2 of 4 stars). 2 submissions from 2 submitters: Uncertain significance (2). Last evaluated 2025-11-25.

Allele frequency attached by ClinVar (database versions not stated): gnomAD 0.00011; gnomAD exomes 0.00008 and 0.00002; TOPMed 0.00013.
gnomAD v4.1: 45 of 1,548,466 alleles (0.0029%); highest among the groups gnomAD compares: African/African-American, 0.027%; 1 homozygote.

Submissions (2):

GeneDx
Classification: Uncertain significance. Last evaluated: 2025-11-25. Review status: criteria provided, single submitter. Criteria: GeneDx Variant Classification Process June 2021. Collection method: clinical testing. Allele origin: germline.
Comment: In silico analysis indicates that this missense variant does not alter protein structure/function; Has not been previously published as pathogenic or benign to our knowledge

Labcorp Genetics (formerly Invitae), Labcorp
Classification: Uncertain significance. Last evaluated: 2021-08-27. Review status: criteria provided, single submitter. Criteria: Invitae Variant Classification Sherloc (09022015). Collection method: clinical testing. Allele origin: germline.
Comment: This sequence change replaces arginine with histidine at codon 2423 of the OTOG protein (p.Arg2423His). The arginine residue is moderately conserved and there is a small physicochemical difference between arginine and histidine. The frequency data for this variant in the population databases is considered unreliable, as metrics indicate poor data quality at this position in the ExAC database. This variant has not been reported in the literature in individuals affected with OTOG-related conditions. Algorithms developed to predict the effect of missense changes on protein structure and function (SIFT, PolyPhen-2, Align-GVGD) all suggest that this variant is likely to be tolerated. In summary, the available evidence is currently insufficient to determine the role of this variant in disease. Therefore, it has been classified as a Variant of Uncertain Significance.

NM_001292063.2(OTOG):c.7232G>A (p.Arg2411His)

Gene: OTOG (otogelin; plus strand). Cytogenetic location: 11p15.1.
Variant type: single nucleotide variant.
Coding change: c.7232G>A on transcript NM_001292063.2 (MANE Select); coding-DNA position 7232, G replaced by A.
Protein change: p.Arg2411His; replaces arginine 2411 with histidine.
Molecular consequence: missense variant.
Genome position (GRCh38, 1-based): chr11:17,633,839, G>A. VCF-style: chr11-17633839-G-A. GRCh37 (hg19) VCF-style: chr11-17655386-G-A.
Other names: c.7268G>A (NM_001277269.1); c.7268G>A, p.Arg2423His (NM_001277269.2); short protein forms R2411H, R2423H.
Identifiers: ClinVar variation 1439157 (VCV001439157.7), dbSNP rs771337626, ClinGen allele CA5906112.